The following is an entry in ClinVar:

ClinVar aggregate classification (germline): Pathogenic (1 of 4 stars; one submission).

Submission:

Labcorp Genetics (formerly Invitae), Labcorp
Classification: Pathogenic. Last evaluated: 2024-03-13. Review status: criteria provided, single submitter. Criteria: Invitae Variant Classification Sherloc (09022015). Collection method: clinical testing. Allele origin: germline.
Comment: This sequence change creates a premature translational stop signal (p.Gln47*) in the SNAP29 gene. It is expected to result in an absent or disrupted protein product. Loss-of-function variants in SNAP29 are known to be pathogenic (PMID: 15968592, 21073448). This variant is not present in population databases (gnomAD no frequency). This variant has not been reported in the literature in individuals affected with SNAP29-related conditions. For these reasons, this variant has been classified as Pathogenic.

Literature cited by the submitters: PubMed 15968592; PubMed 21073448.

NM_004782.4(SNAP29):c.139C>T (p.Gln47Ter)

Gene: SNAP29 (synaptosome associated protein 29; plus strand). Cytogenetic location: 22q11.21.
Variant type: single nucleotide variant.
Coding change: c.139C>T on transcript NM_004782.4 (MANE Select); coding-DNA position 139, C replaced by T.
Protein change: p.Gln47Ter; replaces glutamine 47 with a stop codon.
Molecular consequence: nonsense.
Genome position (GRCh38, 1-based): chr22:20,859,249, C>T. VCF-style: chr22-20859249-C-T. GRCh37 (hg19) VCF-style: chr22-21213537-C-T.
Other names: short protein forms Q47*.
Identifiers: ClinVar variation 2712430 (VCV002712430.3), dbSNP rs2518502640, ClinGen allele CA410772772.